The following is an entry in ClinVar:

ClinVar aggregate classification (germline): Pathogenic (1 of 4 stars; one submission).

Conditions:
Majeed syndrome (MJDS). Also called: CHRONIC RECURRENT MULTIFOCAL OSTEOMYELITIS 1, WITH CONGENITAL DYSERYTHROPOIETIC ANEMIA, WITH OR WITHOUT NEUTROPHILIC DERMATOSIS; LPIN2-Related Majeed Syndrome. Identifiers: Orphanet 77297, MedGen C1864997, MONDO:0012316, OMIM 609628.

Submission:

Labcorp Genetics (formerly Invitae), Labcorp
Classification: Pathogenic for Majeed syndrome. Last evaluated: 2019-09-24. Review status: criteria provided, single submitter. Criteria: Invitae Variant Classification Sherloc (09022015). Collection method: clinical testing. Allele origin: germline.
Comment: A gross deletion of the genomic region encompassing the full coding sequence of the LPIN2 gene has been identified. The boundaries of this event are unknown as the deletion extends beyond the assayed region for this gene and therefore may encompass additional genes. Gross deletions have not been reported in the literature in individuals with LPIN2-related disease Loss-of-function variants in LPIN2 are known to be pathogenic (PMID: 15994876, 23087183). For these reasons, this variant has been classified as Pathogenic.

NC_000018.10:g.(?_2920273)_(2960860_?)del

Genes: LPIN2 (lipin 2; minus strand), LOC130062092 (ATAC-STARR-seq lymphoblastoid active region 13031; plus strand), LOC130062091 (ATAC-STARR-seq lymphoblastoid active region 13030; plus strand), LOC130062090 (ATAC-STARR-seq lymphoblastoid active region 13029; plus strand). Cytogenetic location: 18p11.31.
Variant type: Deletion.
Identifiers: ClinVar variation 583606 (VCV000583606.2).